The following is an entry in ClinVar:

ClinVar aggregate classification (germline): Likely pathogenic. Review status: criteria provided, multiple submitters, no conflicts (2 of 4 stars). 2 submissions from 2 submitters: Likely pathogenic (2). Last evaluated 2023-07-03.

Conditions:
CRB1-related disorder. Also called: CRB1-related disorders; CRB1-related condition.
Retinitis pigmentosa 12 (RP12). Also called: RP WITH OR WITHOUT PPRPE; RP WITH OR WITHOUT PRESERVED PARAARTERIOLE RETINAL PIGMENT EPITHELIUM; RETINITIS PIGMENTOSA WITH OR WITHOUT PARAARTERIOLAR PRESERVATION OF RETINAL PIGMENT EPITHELIUM. Identifiers: Orphanet 791, MedGen C1838647, MONDO:0010818, OMIM 600105.
Leber congenital amaurosis 8 (LCA8). Identifiers: Orphanet 65, MedGen C3151202, MONDO:0013453, OMIM 613835.

gnomAD v4.1: 2 of 1,613,984 alleles (0.00012%); highest among the groups gnomAD compares: South Asian, 0.0011%; no homozygotes.

Submissions (2):

Labcorp Genetics (formerly Invitae), Labcorp
Classification: Likely pathogenic for Leber congenital amaurosis 8; Retinitis pigmentosa 12. Last evaluated: 2023-07-03. Review status: criteria provided, single submitter. Criteria: Invitae Variant Classification Sherloc (09022015). Collection method: clinical testing. Allele origin: germline.
Comment: This sequence change replaces glycine, which is neutral and non-polar, with aspartic acid, which is acidic and polar, at codon 850 of the CRB1 protein (p.Gly850Asp). This variant is present in population databases (rs757137398, gnomAD 0.003%). This variant has not been reported in the literature in individuals affected with CRB1-related conditions. ClinVar contains an entry for this variant (Variation ID: 1469937). Advanced modeling of protein sequence and biophysical properties (such as structural, functional, and spatial information, amino acid conservation, physicochemical variation, residue mobility, and thermodynamic stability) performed at Invitae indicates that this missense variant is expected to disrupt CRB1 protein function. This variant disrupts the p.Gly850 amino acid residue in CRB1. Other variant(s) that disrupt this residue have been determined to be pathogenic (PMID: 15459956, 20591486, 20956273). This suggests that this residue is clinically significant, and that variants that disrupt this residue are likely to be disease-causing. In summary, the currently available evidence indicates that the variant is pathogenic, but additional data are needed to prove that conclusively. Therefore, this variant has been classified as Likely Pathogenic.

Blueprint Genetics
Classification: Likely pathogenic for CRB1-related disorders. Last evaluated: 2023-04-04. Review status: criteria provided, single submitter. Criteria: ACMG Guidelines, 2015. Collection method: clinical testing. Allele origin: germline. Affected: yes. Observed: 2 variant alleles.

Literature cited by the submitters: PubMed 15459956 (cited by Labcorp Genetics (formerly Invitae), Labcorp); PubMed 20591486 (cited by Labcorp Genetics (formerly Invitae), Labcorp); PubMed 20956273 (cited by Labcorp Genetics (formerly Invitae), Labcorp).

NM_201253.3(CRB1):c.2549G>A (p.Gly850Asp)

Gene: CRB1 (crumbs cell polarity complex component 1; plus strand). Cytogenetic location: 1q31.3.
Variant type: single nucleotide variant.
Coding change: c.2549G>A on transcript NM_201253.3 (MANE Select); coding-DNA position 2549, G replaced by A.
Protein change: p.Gly850Asp; replaces glycine 850 with aspartic acid.
Molecular consequence: missense variant. On other transcripts: non-coding transcript variant (2), intron variant (1).
Genome position (GRCh38, 1-based): chr1:197,427,874, G>A. VCF-style: chr1-197427874-G-A. GRCh37 (hg19) VCF-style: chr1-197397004-G-A.
Other names: c.2213G>A, p.Gly738Asp (NM_001193640.2); c.2342G>A, p.Gly781Asp (NM_001257965.2); c.2128+5918G>A (NM_001257966.2); short protein forms G738D, G850D, G781D.
Identifiers: ClinVar variation 1469937 (VCV001469937.9), dbSNP rs757137398, ClinGen allele CA35901098.